The following is an entry in ClinVar:

ClinVar aggregate classification (germline): Uncertain significance (1 of 4 stars; one submission).

Conditions:
Familial adenomatous polyposis 1 (FAP1). Also called: POLYPOSIS, ADENOMATOUS INTESTINAL; FAMILIAL ADENOMATOUS POLYPOSIS 1, ATTENUATED. Identifiers: MedGen C2713442, MONDO:0021056, OMIM 175100. Disease mechanism: loss of function.

Submission:

Labcorp Genetics (formerly Invitae), Labcorp
Classification: Uncertain significance for Familial adenomatous polyposis 1. Last evaluated: 2023-06-29. Review status: criteria provided, single submitter. Criteria: Invitae Variant Classification Sherloc (09022015). Collection method: clinical testing. Allele origin: germline.
Comment: In summary, the available evidence is currently insufficient to determine the role of this variant in disease. Therefore, it has been classified as a Variant of Uncertain Significance. Experimental studies and prediction algorithms are not available or were not evaluated, and the functional significance of this variant is currently unknown. This variant has not been reported in the literature in individuals affected with APC-related conditions. This variant is not present in population databases (gnomAD no frequency). This variant occurs in a non-coding region of the APC gene. It does not change the encoded amino acid sequence of the APC protein.

NC_000005.10:g.112707386del

Gene: APC (APC regulator of Wnt signaling pathway; plus strand). Cytogenetic location: 5q22.2.
Variant type: Deletion.
Genome position: GRCh38 VCF-style: chr5-112707383-CG-C. GRCh37 (hg19) VCF-style: chr5-112043080-CG-C.
Identifiers: ClinVar variation 2732988 (VCV002732988.3), dbSNP rs2531731426, ClinGen allele CA2697546381.